The following is an entry in ClinVar:

NM_001267550.2(TTN):c.54559T>G (p.Trp18187Gly)

Genes: TTN (titin; minus strand), TTN-AS1 (TTN antisense RNA 1; plus strand). Cytogenetic location: 2q31.2.
Variant type: single nucleotide variant.
Coding change: c.54559T>G on transcript NM_001267550.2 (MANE Select); coding-DNA position 54559, T replaced by G.
Protein change: p.Trp18187Gly; replaces tryptophan 18187 with glycine.
Molecular consequence: missense variant.
Genome position (GRCh38, 1-based): chr2:178,604,128, A>C on the plus strand (T>G on the coding strand, the complement: TTN is on the minus strand). VCF-style: chr2-178604128-A-C. GRCh37 (hg19) VCF-style: chr2-179468855-A-C.
Other names: c.49636T>G, p.Trp16546Gly (NM_001256850.1); c.27364T>G, p.Trp9122Gly (NM_003319.4); c.46855T>G, p.Trp15619Gly (NM_133378.4); c.27739T>G, p.Trp9247Gly (NM_133432.3); c.27940T>G, p.Trp9314Gly (NM_133437.4); short protein forms W9314G, W15619G, W16546G, W18187G, W9247G, W9122G.
Identifiers: ClinVar variation 1795336 (VCV001795336.2), dbSNP rs796392077, ClinGen allele CA60979804.
Genomic context (GRCh38, chr2:178,604,128, plus strand): 5'-CTCTTTTCTCCAGCCAGTAGCCAGTAATTGGAGAGCCACCATTGTCCAAAGGAGGAGTCC[A>C]GCTCACTAGCATTGATCCTTTGGTGCGTGCCAAAACTTTTGGTTTTCCTGGAGGTCCAGG-3'
Protein context (NP_001254479.2, residues 18177-18197): ARTKGSMLVS[Trp18187Gly]TPPLDNGGSP

ClinVar aggregate classification (germline): Uncertain significance (1 of 4 stars; one submission).

Conditions:
Cardiovascular phenotype. Identifiers: MedGen CN230736.

Allele frequency attached by ClinVar (database versions not stated): gnomAD exomes below 0.00001; gnomAD 0.00001; TOPMed 0.00001.
gnomAD v4.1: 3 of 1,612,430 alleles (0.00019%); highest among the groups gnomAD compares: African/African-American, 0.004%; no homozygotes.

Submission:

Ambry Genetics
Classification: Uncertain significance for Cardiovascular phenotype. Last evaluated: 2019-01-11. Review status: criteria provided, single submitter. Criteria: Ambry Variant Classification Scheme 2023. Collection method: clinical testing. Allele origin: germline.
Comment: The p.W9122G variant (also known as c.27364T>G), located in coding exon 109 of the TTN gene, results from a T to G substitution at nucleotide position 27364. The tryptophan at codon 9122 is replaced by glycine, an amino acid with highly dissimilar properties. This amino acid position is highly conserved in available vertebrate species. In addition, this alteration is predicted to be deleterious by in silico analysis. Since supporting evidence is limited at this time, the clinical significance of this alteration remains unclear.